The following is an entry in ClinVar:

NC_000019.10:g.(?_32833129)_(32833343_?)del

Gene: SLC7A9 (solute carrier family 7 member 9; minus strand). Cytogenetic location: 19q13.11.
Variant type: Deletion.
Identifiers: ClinVar variation 830958 (VCV000830958.4).

ClinVar aggregate classification (germline): Pathogenic (1 of 4 stars; one submission).

Submission:

Labcorp Genetics (formerly Invitae), Labcorp
Classification: Pathogenic. Last evaluated: 2023-12-04. Review status: criteria provided, single submitter. Criteria: Invitae Variant Classification Sherloc (09022015). Collection method: clinical testing. Allele origin: germline.
Comment: This variant is a gross deletion of the genomic region encompassing exon(s) 12 of the SLC7A9 gene. While this deletion is not anticipated to lead to nonsense mediated decay, it is expected to disrupt the C-terminus of the protein. A similar copy number variant has been observed in individuals with cystinuria (PMID: 15635077; Invitae). This variant disrupts a region of the SLC7A9 protein in which other variant(s) (p.Pro482Leu) have been determined to be pathogenic (PMID: 16609684). This suggests that this is a clinically significant region of the protein, and that variants that disrupt it are likely to be disease-causing. For these reasons, this variant has been classified as Pathogenic.

Literature cited by the submitters: PubMed 15635077; PubMed 16609684.